The following is an entry in ClinVar:

NM_001813.3(CENPE):c.3749C>G (p.Thr1250Ser)

Gene: CENPE (centromere protein E; minus strand). Cytogenetic location: 4q24.
Variant type: single nucleotide variant.
Coding change: c.3749C>G on transcript NM_001813.3 (MANE Select); coding-DNA position 3749, C replaced by G.
Protein change: p.Thr1250Ser; replaces threonine 1250 with serine.
Molecular consequence: missense variant.
Genome position (GRCh38, 1-based): chr4:103,148,938, G>C on the plus strand (C>G on the coding strand, the complement: CENPE is on the minus strand). VCF-style: chr4-103148938-G-C. GRCh37 (hg19) VCF-style: chr4-104070095-G-C.
Other names: c.3674C>G, p.Thr1225Ser (NM_001286734.2); short protein forms T1250S, T1225S.
Identifiers: ClinVar variation 434696 (VCV000434696.12), dbSNP rs114698062, ClinGen allele CA3029986.
Genomic context (GRCh38, chr4:103,148,938, plus strand): 5'-TCCTGAGTATTTATTATTTGAGCTGTCTTCTCAGATACGCTTCTTCTTAGTTCATCAATA[G>C]TTTCTTGGTGTTCTTTTAGGTGAATATGAGCAATTTTTAGTTCTTCTTTGGTTTGTAGGC-3'
Protein context (NP_001804.2, residues 1240-1260): AHIHLKEHQE[Thr1250Ser]IDELRRSVSE

ClinVar aggregate classification (germline): Conflicting classifications of pathogenicity. Review status: criteria provided, conflicting classifications (1 of 4 stars). 3 submissions from 3 submitters: Uncertain significance (1); Likely benign (1). 1 of the submissions does not count toward it. Last evaluated 2019-12-31.

Conditions:
CENPE-related disorder. Also called: CENPE-related condition.

Allele frequency attached by ClinVar (database versions not stated): gnomAD exomes 0.00058; ExAC 0.00065; gnomAD 0.00204 and 0.00217; ESP Exome Variant Server 0.00208; TOPMed 0.00209; 1000 Genomes Project 30x 0.00234; 1000 Genomes Project 0.00260.
gnomAD v4.1: 640 of 1,613,502 alleles (0.04%); highest among the groups gnomAD compares: African/African-American, 0.78%; no homozygotes.

Submissions (3):

Labcorp Genetics (formerly Invitae), Labcorp
Classification: Likely benign. Last evaluated: 2019-12-31. Review status: criteria provided, single submitter. Criteria: Invitae Variant Classification Sherloc (09022015). Collection method: clinical testing. Allele origin: germline.

Genetic Services Laboratory, University of Chicago
Classification: Uncertain significance. Last evaluated: 2017-02-16. Review status: criteria provided, single submitter. Criteria: ACMG Guidelines, 2015. Collection method: clinical testing. Allele origin: germline. Affected: no.

PreventionGenetics, part of Exact Sciences
Classification: Benign for CENPE-related condition. Last evaluated: 2020-04-20. Review status: no assertion criteria provided. Collection method: clinical testing. Allele origin: germline. Not counted in ClinVar's aggregate classification.
Comment: This variant is classified as benign based on ACMG/AMP sequence variant interpretation guidelines (Richards et al. 2015 PMID: 25741868, with internal and published modifications).